The following is an entry in ClinVar:

ClinVar aggregate classification (germline): Uncertain significance (1 of 4 stars; one submission).

Conditions:
Inborn genetic diseases. Identifiers: MedGen C0950123, MeSH D030342.

gnomAD v4.1: 3 of 1,613,796 alleles (0.00019%); highest among the groups gnomAD compares: Admixed American, 0.0033%; no homozygotes.

Submission:

Ambry Genetics
Classification: Uncertain significance for Inborn genetic diseases. Last evaluated: 2026-02-16. Review status: criteria provided, single submitter. Criteria: Ambry Variant Classification Scheme 2023. Collection method: clinical testing. Allele origin: germline.
Comment: The c.1789C>G (p.L597V) alteration is located in exon 19 (coding exon 18) of the KATNB1 gene. This alteration results from a C to G substitution at nucleotide position 1789, causing the leucine (L) at amino acid position 597 to be replaced by a valine (V). Based on data from gnomAD, the G allele has an overall frequency of <0.001% (1/251208) total alleles studied. The highest observed frequency was 0.001% (1/113678) of European (non-Finnish) alleles. Based on insufficient or conflicting evidence, the clinical significance of this alteration remains unclear.

NM_005886.3(KATNB1):c.1789C>G (p.Leu597Val)

Gene: KATNB1 (katanin regulatory subunit B1; plus strand). Cytogenetic location: 16q21.
Variant type: single nucleotide variant.
Coding change: c.1789C>G on transcript NM_005886.3 (MANE Select); coding-DNA position 1789, C replaced by G.
Protein change: p.Leu597Val; replaces leucine 597 with valine.
Molecular consequence: missense variant.
Genome position (GRCh38, 1-based): chr16:57,756,426, C>G. VCF-style: chr16-57756426-C-G. GRCh37 (hg19) VCF-style: chr16-57790338-C-G.
Other names: short protein forms L597V.
Identifiers: ClinVar variation 4829904 (VCV004829904.1).